The following is an entry in ClinVar:

NM_000388.4(CASR):c.2477C>G (p.Ala826Gly)

Gene: CASR (calcium sensing receptor; plus strand). Cytogenetic location: 3q21.1.
Variant type: single nucleotide variant.
Coding change: c.2477C>G on transcript NM_000388.4 (MANE Select); coding-DNA position 2477, C replaced by G.
Protein change: p.Ala826Gly; replaces alanine 826 with glycine.
Molecular consequence: missense variant.
Genome position (GRCh38, 1-based): chr3:122,284,431, C>G. VCF-style: chr3-122284431-C-G. GRCh37 (hg19) VCF-style: chr3-122003278-C-G.
Other names: c.2507C>G, p.Ala836Gly (NM_001178065.2); short protein forms A836G, A826G.
Identifiers: ClinVar variation 950817 (VCV000950817.10), dbSNP rs2074939465, ClinGen allele CA354160020.

ClinVar aggregate classification (germline): Uncertain significance (1 of 4 stars; one submission).

Conditions:
Autosomal dominant hypocalcemia 1 (HYPOC1). Also called: HYPOCALCEMIA, FAMILIAL. Identifiers: MedGen C3715128, MONDO:0011013, OMIM 601198.
Familial hypocalciuric hypercalcemia (FHH). Also called: Familial benign hypercalcemia. Identifiers: Orphanet 405, MedGen C1809471, MONDO:0018458.

Submission:

Labcorp Genetics (formerly Invitae), Labcorp
Classification: Uncertain significance for Familial hypocalciuric hypercalcemia; Autosomal dominant hypocalcemia 1. Last evaluated: 2019-06-27. Review status: criteria provided, single submitter. Criteria: Invitae Variant Classification Sherloc (09022015). Collection method: clinical testing. Allele origin: germline.
Comment: This variant has not been reported in the literature in individuals with CASR-related conditions. Algorithms developed to predict the effect of missense changes on protein structure and function are either unavailable or do not agree on the potential impact of this missense change (SIFT: "Tolerated"; PolyPhen-2: "Possibly Damaging"; Align-GVGD: "Class C0"). In summary, the available evidence is currently insufficient to determine the role of this variant in disease. Therefore, it has been classified as a Variant of Uncertain Significance. This variant is not present in population databases (ExAC no frequency). This sequence change replaces alanine with glycine at codon 826 of the CASR protein (p.Ala826Gly). The alanine residue is highly conserved and there is a small physicochemical difference between alanine and glycine.